The following is an entry in ClinVar:

NM_012254.3(SLC27A5):c.841C>T (p.Arg281Cys)

Gene: SLC27A5 (solute carrier family 27 member 5; minus strand). Cytogenetic location: 19q13.43.
Variant type: single nucleotide variant.
Coding change: c.841C>T on transcript NM_012254.3 (MANE Select); coding-DNA position 841, C replaced by T.
Protein change: p.Arg281Cys; replaces arginine 281 with cysteine.
Molecular consequence: missense variant.
Genome position (GRCh38, 1-based): chr19:58,510,778, G>A on the plus strand (C>T on the coding strand, the complement: SLC27A5 is on the minus strand). VCF-style: chr19-58510778-G-A. GRCh37 (hg19) VCF-style: chr19-59022145-G-A.
Other names: c.589C>T, p.Arg197Cys (NM_001321196.2); short protein forms R197C, R281C.
Identifiers: ClinVar variation 3047420 (VCV003047420.3), dbSNP rs374466712, ClinGen allele CA9718192.

ClinVar aggregate classification (germline): Uncertain significance. Review status: criteria provided, single submitter (1 of 4 stars). 2 submissions from 2 submitters: Uncertain significance (1). 1 of the submissions does not count toward it. Last evaluated 2024-12-03.

Conditions:
SLC27A5-related disorder. Also called: SLC27A5-related condition.

Allele frequency attached by ClinVar (database versions not stated): TOPMed 0.00003; ExAC 0.00004; gnomAD 0.00004; gnomAD exomes 0.00007; ESP Exome Variant Server 0.00015.

Submissions (2):

Ambry Genetics
Classification: Uncertain significance. Last evaluated: 2024-12-03. Review status: criteria provided, single submitter. Criteria: Ambry Variant Classification Scheme 2023. Collection method: clinical testing. Allele origin: germline.

PreventionGenetics, part of Exact Sciences
Classification: Uncertain significance for SLC27A5-related condition. Last evaluated: 2024-02-01. Review status: no assertion criteria provided. Collection method: clinical testing. Allele origin: germline. Not counted in ClinVar's aggregate classification.
Comment: The SLC27A5 c.841C>T variant is predicted to result in the amino acid substitution p.Arg281Cys. To our knowledge, this variant has not been reported in the literature. This variant is reported in 0.0086% of alleles in individuals of European (Non-Finnish) descent in gnomAD. At this time, the clinical significance of this variant is uncertain due to the absence of conclusive functional and genetic evidence.